The following is an entry in ClinVar:

NM_004994.3(MMP9):c.493G>A (p.Asp165Asn)

Gene: MMP9 (matrix metallopeptidase 9; plus strand). Cytogenetic location: 20q13.12.
Variant type: single nucleotide variant.
Coding change: c.493G>A on transcript NM_004994.3 (MANE Select); coding-DNA position 493, G replaced by A.
Protein change: p.Asp165Asn; replaces aspartic acid 165 with asparagine.
Molecular consequence: missense variant.
Genome position (GRCh38, 1-based): chr20:46,010,604, G>A. VCF-style: chr20-46010604-G-A. GRCh37 (hg19) VCF-style: chr20-44639243-G-A.
Other names: short protein forms D165N.
Identifiers: ClinVar variation 1414399 (VCV001414399.6), dbSNP rs8125581, ClinGen allele CA9886402.

ClinVar aggregate classification (germline): Uncertain significance (1 of 4 stars; one submission).

Allele frequency attached by ClinVar (database versions not stated): ExAC 0.00030; gnomAD exomes 0.00030 and 0.00053; gnomAD 0.00035; TOPMed 0.00039; ESP Exome Variant Server 0.00046.
gnomAD v4.1: 835 of 1,613,900 alleles (0.052%); highest among the groups gnomAD compares: Non-Finnish European, 0.064%; no homozygotes.

Submission:

Labcorp Genetics (formerly Invitae), Labcorp
Classification: Uncertain significance. Last evaluated: 2026-01-28. Review status: criteria provided, single submitter. Criteria: Invitae Variant Classification Sherloc (09022015). Collection method: clinical testing. Allele origin: germline.
Comment: This sequence change replaces aspartic acid, which is acidic and polar, with asparagine, which is neutral and polar, at codon 165 of the MMP9 protein (p.Asp165Asn). This variant is present in population databases (rs8125581, gnomAD 0.05%). This variant has not been reported in the literature in individuals affected with MMP9-related conditions. ClinVar contains an entry for this variant (Variation ID: 1414399). Invitae Evidence Modeling of protein sequence and biophysical properties (such as structural, functional, and spatial information, amino acid conservation, physicochemical variation, residue mobility, and thermodynamic stability) indicates that this missense variant is expected to disrupt MMP9 protein function with a positive predictive value of 80%. In summary, the available evidence is currently insufficient to determine the role of this variant in disease. Therefore, it has been classified as a Variant of Uncertain Significance.